The following is an entry in ClinVar:

NM_001267550.2(TTN):c.13450G>T (p.Glu4484Ter)

Gene: TTN (titin; minus strand). Cytogenetic location: 2q31.2.
Variant type: single nucleotide variant.
Coding change: c.13450G>T on transcript NM_001267550.2 (MANE Select); coding-DNA position 13450, G replaced by T.
Protein change: p.Glu4484Ter; replaces glutamic acid 4484 with a stop codon.
Molecular consequence: nonsense. On other transcripts: intron variant (1).
Genome position (GRCh38, 1-based): chr2:178,739,783, C>A on the plus strand (G>T on the coding strand, the complement: TTN is on the minus strand). VCF-style: chr2-178739783-C-A. GRCh37 (hg19) VCF-style: chr2-179604510-C-A.
Other names: c.12499G>T, p.Glu4167Ter (NM_001256850.1); c.12361G>T, p.Glu4121Ter (NM_003319.4); c.12736G>T, p.Glu4246Ter (NM_133432.3); c.12937G>T, p.Glu4313Ter (NM_133437.4); c.10361-1423G>T (NM_133378.4); short protein forms E4121*, E4167*, E4246*, E4313*, E4484*.
Identifiers: ClinVar variation 3748592 (VCV003748592.3).
Genomic context (GRCh38, chr2:178,739,783, plus strand): 5'-GCAAACTTGTTTTGGCTCCTTGCTGAATTCTAGGACCCTCAGCTGTTAGGATGTCTATTT[C>A]CTCATATATAATAGCACACAAAGCATCCCTAAGTTCCATTTTCAGGTTAGCCATTTGAGG-3'

ClinVar aggregate classification (germline): Likely pathogenic. Review status: criteria provided, multiple submitters, no conflicts (2 of 4 stars). 2 submissions from 2 submitters: Likely pathogenic (2). Last evaluated 2026-01-18.

Conditions:
Autosomal recessive limb-girdle muscular dystrophy type 2J (LGMDR10). Also called: Limb-girdle muscular dystrophy, type 2J; MUSCULAR DYSTROPHY, LIMB-GIRDLE, AUTOSOMAL RECESSIVE 10. Identifiers: Orphanet 140922, MedGen C1837342, MONDO:0012127, OMIM 608807.
Dilated cardiomyopathy 1G (CMD1G). Identifiers: Orphanet 154, MedGen C1858763, MONDO:0011400, OMIM 604145.

Submissions (2):

Labcorp Genetics (formerly Invitae), Labcorp
Classification: Likely pathogenic for Dilated cardiomyopathy 1G; Autosomal recessive limb-girdle muscular dystrophy type 2J. Last evaluated: 2026-01-18. Review status: criteria provided, single submitter. Criteria: Invitae Variant Classification Sherloc (09022015). Collection method: clinical testing. Allele origin: germline.
Comment: This sequence change creates a premature translational stop signal (p.Glu4484*) in the TTN gene. While this is not anticipated to result in nonsense mediated decay, it is expected to create a truncated TTN protein. This variant is not present in population databases (gnomAD no frequency). This variant has not been reported in the literature in individuals affected with TTN-related conditions. ClinVar contains an entry for this variant (Variation ID: 3748592). This variant is located in the I band of TTN (PMID: 25589632). Truncating variants in this region have been reported in individuals affected with autosomal recessive centronuclear myopathy (PMID: 23975875, internal data). Truncating variants in this region have also been identified in individuals affected with autosomal dominant dilated cardiomyopathy and/or cardio-related conditions (PMID: 27869827, 32964742, internal data). In summary, the currently available evidence indicates that the variant is pathogenic, but additional data are needed to prove that conclusively. Therefore, this variant has been classified as Likely Pathogenic.

Variantyx, Inc.
Classification: Likely pathogenic for Dilated cardiomyopathy 1G. Last evaluated: 2025-10-28. Review status: criteria provided, single submitter. Criteria: Variantyx Assertion Criteria 2022. Collection method: clinical testing. Allele origin: germline. Inheritance: Autosomal dominant inheritance. Affected: yes.
Comment: This is a nonsense variant in the TTN gene (OMIM: 188840). Pathogenic variants in this gene have been associated with autosomal dominant dilated cardiomyopathy 1G. This variant introduces a premature termination codon in exon 48 out of 363 and is expected to result in loss of function, which is a known disease mechanism for TTN in this disorder (PMID: 25589632, 27869827) (PVS1). This variant is absent from control populations (PM2). Based on the current evidence, this variant is classified as likely pathogenic for autosomal dominant dilated cardiomyopathy 1G.

Literature cited by the submitters: PubMed 25589632 (cited by Labcorp Genetics (formerly Invitae), Labcorp and Variantyx, Inc.); PubMed 23975875 (cited by Labcorp Genetics (formerly Invitae), Labcorp); PubMed 27869827 (cited by Labcorp Genetics (formerly Invitae), Labcorp and Variantyx, Inc.); PubMed 32964742 (cited by Labcorp Genetics (formerly Invitae), Labcorp).